The following is an entry in ClinVar:

NM_020461.4(TUBGCP6):c.3730C>T (p.His1244Tyr)

Gene: TUBGCP6 (tubulin gamma complex component 6; minus strand). Cytogenetic location: 22q13.33.
Variant type: single nucleotide variant.
Coding change: c.3730C>T on transcript NM_020461.4 (MANE Select); coding-DNA position 3730, C replaced by T.
Protein change: p.His1244Tyr; replaces histidine 1244 with tyrosine.
Molecular consequence: missense variant.
Genome position (GRCh38, 1-based): chr22:50,220,629, G>A on the plus strand (C>T on the coding strand, the complement: TUBGCP6 is on the minus strand). VCF-style: chr22-50220629-G-A. GRCh37 (hg19) VCF-style: chr22-50659058-G-A.
Other names: short protein forms H1244Y.
Identifiers: ClinVar variation 1525668 (VCV001525668.8), dbSNP rs2147177638, ClinGen allele CA412180439.

ClinVar aggregate classification (germline): Uncertain significance (1 of 4 stars; one submission).

Allele frequency attached by ClinVar (database versions not stated): gnomAD exomes 0.00001.
gnomAD v4.1: 7 of 1,610,810 alleles (0.00043%); highest among the groups gnomAD compares: African/African-American, 0.0013%; no homozygotes.

Submission:

Labcorp Genetics (formerly Invitae), Labcorp
Classification: Uncertain significance. Last evaluated: 2021-04-12. Review status: criteria provided, single submitter. Criteria: Invitae Variant Classification Sherloc (09022015). Collection method: clinical testing. Allele origin: germline.
Comment: This variant is not present in population databases (ExAC no frequency). This sequence change replaces histidine with tyrosine at codon 1244 of the TUBGCP6 protein (p.His1244Tyr). The histidine residue is weakly conserved and there is a moderate physicochemical difference between histidine and tyrosine. This variant has not been reported in the literature in individuals with TUBGCP6-related conditions. In summary, the available evidence is currently insufficient to determine the role of this variant in disease. Therefore, it has been classified as a Variant of Uncertain Significance. Algorithms developed to predict the effect of missense changes on protein structure and function are either unavailable or do not agree on the potential impact of this missense change (SIFT: "Deleterious"; PolyPhen-2: "Probably Damaging"; Align-GVGD: "Class C0").